The following is an entry in ClinVar:

NM_021830.5(TWNK):c.139G>A (p.Ala47Thr)

Gene: TWNK (twinkle mtDNA helicase; plus strand). Cytogenetic location: 10q24.31.
Variant type: single nucleotide variant.
Coding change: c.139G>A on transcript NM_021830.5 (MANE Select); coding-DNA position 139, G replaced by A.
Protein change: p.Ala47Thr; replaces alanine 47 with threonine.
Molecular consequence: missense variant. On other transcripts: non-coding transcript variant (4), intron variant (3).
Genome position (GRCh38, 1-based): chr10:100,988,349, G>A. VCF-style: chr10-100988349-G-A. GRCh37 (hg19) VCF-style: chr10-102748106-G-A.
Other names: c.139G>A, p.Ala47Thr (NM_001163812.2); c.-120+736G>A (NM_001163814.2, NM_001163813.2); c.-58+736G>A (NM_001368275.1); c.139G>A (NM_021830.4); short protein forms A47T.
Identifiers: ClinVar variation 2083029 (VCV002083029.5), dbSNP rs761320180, ClinGen allele CA378206110.

ClinVar aggregate classification (germline): Uncertain significance. Review status: criteria provided, multiple submitters, no conflicts (2 of 4 stars). 2 submissions from 2 submitters: Uncertain significance (2). Last evaluated 2026-01-15.

Conditions:
TWNK-related disorder. Also called: TWNK-related condition.

Allele frequency attached by ClinVar (database versions not stated): gnomAD 0.00001.
gnomAD v4.1: 2 of 1,614,156 alleles (0.00012%); highest among the groups gnomAD compares: Admixed American, 0.0033%; no homozygotes.

Submissions (2):

PreventionGenetics, part of Exact Sciences
Classification: Uncertain significance for TWNK-related condition. Last evaluated: 2026-01-15. Review status: criteria provided, single submitter. Criteria: ACMG Guidelines, 2015. Collection method: clinical testing. Allele origin: germline.
Comment: The TWNK c.139G>A variant is predicted to result in the amino acid substitution p.Ala47Thr. To our knowledge, this variant has not been reported in the literature. This variant has been reported by one ClinVar submitter in TWNK-related condition. This variant is reported in 0.0029% of alleles in individuals of Latino descent in gnomAD. At this time, the clinical significance of this variant is uncertain due to the absence of conclusive functional and genetic evidence.

Labcorp Genetics (formerly Invitae), Labcorp
Classification: Uncertain significance. Last evaluated: 2025-12-06. Review status: criteria provided, single submitter. Criteria: Invitae Variant Classification Sherloc (09022015). Collection method: clinical testing. Allele origin: germline.
Comment: This sequence change replaces alanine, which is neutral and non-polar, with threonine, which is neutral and polar, at codon 47 of the TWNK protein (p.Ala47Thr). This variant is present in population databases (no rsID available, gnomAD 0.003%). This missense change has been observed in individual(s) with autosomal dominant TWNK-related conditions (internal data). It has also been observed to segregate with disease in related individuals. ClinVar contains an entry for this variant (Variation ID: 2083029). Invitae Evidence Modeling of protein sequence and biophysical properties (such as structural, functional, and spatial information, amino acid conservation, physicochemical variation, residue mobility, and thermodynamic stability) indicates that this missense variant is not expected to disrupt TWNK protein function with a negative predictive value of 95%. In summary, the available evidence is currently insufficient to determine the role of this variant in disease. Therefore, it has been classified as a Variant of Uncertain Significance.